The following is an entry in ClinVar:

ClinVar aggregate classification (germline): Uncertain significance (1 of 4 stars; one submission).

Conditions:
Familial cold autoinflammatory syndrome 2 (FCAS2). Identifiers: Orphanet 247868, MedGen C2673198, MONDO:0012724, OMIM 611762.

Submission:

Labcorp Genetics (formerly Invitae), Labcorp
Classification: Uncertain significance for Familial cold autoinflammatory syndrome 2. Last evaluated: 2024-12-19. Review status: criteria provided, single submitter. Criteria: Invitae Variant Classification Sherloc (09022015). Collection method: clinical testing. Allele origin: germline.
Comment: This sequence change replaces methionine, which is neutral and non-polar, with isoleucine, which is neutral and non-polar, at codon 775 of the NLRP12 protein (p.Met775Ile). This variant is not present in population databases (gnomAD no frequency). This variant has not been reported in the literature in individuals affected with NLRP12-related conditions. Invitae Evidence Modeling of protein sequence and biophysical properties (such as structural, functional, and spatial information, amino acid conservation, physicochemical variation, residue mobility, and thermodynamic stability) indicates that this missense variant is expected to disrupt NLRP12 protein function with a positive predictive value of 80%. In summary, the available evidence is currently insufficient to determine the role of this variant in disease. Therefore, it has been classified as a Variant of Uncertain Significance.

NM_144687.4(NLRP12):c.2325G>A (p.Met775Ile)

Gene: NLRP12 (NLR family pyrin domain containing 12; minus strand). Cytogenetic location: 19q13.42.
Variant type: single nucleotide variant.
Coding change: c.2325G>A on transcript NM_144687.4 (MANE Select); coding-DNA position 2325, G replaced by A.
Protein change: p.Met775Ile; replaces methionine 775 with isoleucine.
Molecular consequence: missense variant.
Genome position (GRCh38, 1-based): chr19:53,805,369, C>T on the plus strand (G>A on the coding strand, the complement: NLRP12 is on the minus strand). VCF-style: chr19-53805369-C-T. GRCh37 (hg19) VCF-style: chr19-54308623-C-T.
Other names: c.2328G>A, p.Met776Ile (NM_001277126.2); c.2325G>A, p.Met775Ile (NM_001277129.1); short protein forms M776I, M775I.
Identifiers: ClinVar variation 3689389 (VCV003689389.2).